The following is an entry in ClinVar:

ClinVar aggregate classification (germline): Pathogenic (1 of 4 stars; one submission).

Conditions:
Autosomal recessive limb-girdle muscular dystrophy type 2L (LGMDR12). Also called: MUSCULAR DYSTROPHY, LIMB-GIRDLE, AUTOSOMAL RECESSIVE 12; Limb-Girdle Muscular Dystrophy R12 Anoctamin-5-Related (LGMD-R12); Limb-girdle muscular dystrophy, type 2L. Identifiers: Orphanet 206549, MedGen C1969785, MONDO:0012652, OMIM 611307.
Gnathodiaphyseal dysplasia (GDD). Also called: GNATHODIAPHYSEAL SCLEROSIS; OSTEOGENESIS IMPERFECTA WITH UNUSUAL SKELETAL LESIONS. Identifiers: Orphanet 53697, MedGen C1833736, MONDO:0008151, OMIM 166260.

Submission:

Labcorp Genetics (formerly Invitae), Labcorp
Classification: Pathogenic for Autosomal recessive limb-girdle muscular dystrophy type 2L; Gnathodiaphyseal dysplasia. Last evaluated: 2023-07-14. Review status: criteria provided, single submitter. Criteria: Invitae Variant Classification Sherloc (09022015). Collection method: clinical testing. Allele origin: germline.
Comment: This variant disrupts a region of the ANO5 protein in which other variant(s) (p.Asp81Gly) have been determined to be pathogenic (PMID: 22402862, 22980763, 31395899). This suggests that this is a clinically significant region of the protein, and that variants that disrupt it are likely to be disease-causing. This variant is a gross deletion of the genomic region encompassing exon(s) 5 of the ANO5 gene. This variant would be expected to be in-frame, preserving the integrity of the reading frame. This variant has not been reported in the literature in individuals affected with ANO5-related conditions. For these reasons, this variant has been classified as Pathogenic.

Literature cited by the submitters: PubMed 22402862; PubMed 22980763; PubMed 31395899.

NC_000011.9:g.(?_22242633)_(22242766_?)del

Gene: ANO5 (anoctamin 5; plus strand). Cytogenetic location: 11p14.3.
Variant type: Deletion.
Identifiers: ClinVar variation 1008638 (VCV001008638.7).